The following is an entry in ClinVar:

NM_000110.4(DPYD):c.2049C>G (p.Ala683=)

Gene: DPYD (dihydropyrimidine dehydrogenase; minus strand). Cytogenetic location: 1p21.3.
Variant type: single nucleotide variant.
Coding change: c.2049C>G on transcript NM_000110.4 (MANE Select); coding-DNA position 2049, C replaced by G.
Protein change: p.Ala683=; no amino-acid change (alanine 683 retained).
Molecular consequence: synonymous variant.
Genome position (GRCh38, 1-based): chr1:97,373,570, G>C on the plus strand (C>G on the coding strand, the complement: DPYD is on the minus strand). VCF-style: chr1-97373570-G-C. GRCh37 (hg19) VCF-style: chr1-97839126-G-C.
Identifiers: ClinVar variation 100084 (VCV000100084.10), dbSNP rs183475941, ClinGen allele CA228105.

ClinVar aggregate classification (germline): Conflicting classifications of pathogenicity. Review status: criteria provided, conflicting classifications (1 of 4 stars). 5 submissions from 5 submitters: Uncertain significance (1); Likely benign (2). 2 of the submissions do not count toward it. Last evaluated 2024-09-10.

Conditions:
DPYD-related disorder. Also called: DPYD-related condition.
Inborn genetic diseases. Identifiers: MedGen C0950123, MeSH D030342.
Dihydropyrimidine dehydrogenase deficiency (DPYDD). Also called: DPD DEFICIENCY; DPYD DEFICIENCY; Hereditary Thymine-Uraciluria. Identifiers: Orphanet 1675, MedGen C1959620, MONDO:0010130, OMIM 274270.

Allele frequency attached by ClinVar (database versions not stated): gnomAD 0.00008 and 0.00009; TOPMed 0.00017; 1000 Genomes Project 0.00020; ExAC 0.00023; gnomAD exomes 0.00028.
gnomAD v4.1: 145 of 1,613,592 alleles (0.009%); highest among the groups gnomAD compares: East Asian, 0.23%; 1 homozygote.

Submissions (5):

Blueprint Genetics
Classification: Likely benign. Last evaluated: 2024-09-10. Review status: criteria provided, single submitter. Criteria: ACMG Guidelines, 2015. Collection method: clinical testing. Allele origin: germline.

Ambry Genetics
Classification: Likely benign for Inborn genetic diseases. Last evaluated: 2023-01-13. Review status: criteria provided, single submitter. Criteria: Ambry Variant Classification Scheme 2023. Collection method: clinical testing. Allele origin: germline.

Illumina Laboratory Services, Illumina
Classification: Uncertain significance for Dihydropyrimidine dehydrogenase deficiency. Last evaluated: 2018-01-12. Review status: criteria provided, single submitter. Criteria: ICSL Variant Classification Criteria 13 December 2019. Collection method: clinical testing. Allele origin: germline.

PreventionGenetics, part of Exact Sciences
Classification: Likely benign for DPYD-related condition. Last evaluated: 2024-06-20. Review status: no assertion criteria provided. Collection method: clinical testing. Allele origin: germline. Not counted in ClinVar's aggregate classification.
Comment: This variant is classified as likely benign based on ACMG/AMP sequence variant interpretation guidelines (Richards et al. 2015 PMID: 25741868, with internal and published modifications).

Diasio Lab,  Mayo Clinic
No classification provided. Review status: no classification provided. Collection method: not provided. Allele origin: unknown. Not counted in ClinVar's aggregate classification.